The following is an entry in ClinVar:

NM_001256789.3(CACNA1F):c.868C>T (p.Arg290Cys)

Gene: CACNA1F (calcium voltage-gated channel subunit alpha1 F; minus strand). Cytogenetic location: Xp11.23.
Variant type: single nucleotide variant.
Coding change: c.868C>T on transcript NM_001256789.3 (MANE Select); coding-DNA position 868, C replaced by T.
Protein change: p.Arg290Cys; replaces arginine 290 with cysteine.
Molecular consequence: missense variant.
Genome position (GRCh38, 1-based): chrX:49,228,397, G>A on the plus strand (C>T on the coding strand, the complement: CACNA1F is on the minus strand). VCF-style: chrX-49228397-G-A. GRCh37 (hg19) VCF-style: chrX-49084859-G-A.
Other names: NC_000023.10:g.49084859G>A; c.673C>T, p.Arg225Cys (NM_001256790.3); c.868C>T, p.Arg290Cys (NM_005183.4); short protein forms R225C, R290C.
Identifiers: ClinVar variation 4492034 (VCV004492034.2).

ClinVar aggregate classification (germline): Pathogenic (1 of 4 stars; one submission).

gnomAD v4.1: 4 of 1,209,682 alleles (0.00033%); highest among the groups gnomAD compares: Non-Finnish European, 0.00045%; no homozygotes.

Submissions (2):

Labcorp Genetics (formerly Invitae), Labcorp
Classification: Pathogenic. Last evaluated: 2025-09-25. Review status: criteria provided, single submitter. Criteria: Invitae Variant Classification Sherloc (09022015). Collection method: clinical testing. Allele origin: germline.
Comment: This sequence change replaces arginine, which is basic and polar, with cysteine, which is neutral and slightly polar, at codon 290 of the CACNA1F protein (p.Arg290Cys). This variant is not present in population databases (gnomAD no frequency). This missense change has been observed in individuals with Cone-rod dystrophy, night blindness (PMID: 28341476, 32531858, 37206923). Invitae Evidence Modeling of protein sequence and biophysical properties (such as structural, functional, and spatial information, amino acid conservation, physicochemical variation, residue mobility, and thermodynamic stability) indicates that this missense variant is not expected to disrupt CACNA1F protein function with a negative predictive value of 80%. Experimental studies have shown that this missense change affects CACNA1F function (PMID: 37206923). For these reasons, this variant has been classified as Pathogenic.

Dr. Peter K. Rogan Lab, Western University
No classification provided (evidence only). Condition: Uterine carcinosarcoma. Review status: no classification provided. Collection method: in vitro. Allele origin: not applicable. Functional consequence: retained intron. Not counted in ClinVar's aggregate classification.

Literature cited by the submitters: PubMed 28341476 (cited by Labcorp Genetics (formerly Invitae), Labcorp); PubMed 32531858 (cited by Labcorp Genetics (formerly Invitae), Labcorp); PubMed 37206923 (cited by Labcorp Genetics (formerly Invitae), Labcorp).